The following is an entry in ClinVar:

NM_001291303.3(FAT4):c.1328A>G (p.Asn443Ser)

Gene: FAT4 (FAT atypical cadherin 4; plus strand). Cytogenetic location: 4q28.1.
Variant type: single nucleotide variant.
Coding change: c.1328A>G on transcript NM_001291303.3 (MANE Select); coding-DNA position 1328, A replaced by G.
Protein change: p.Asn443Ser; replaces asparagine 443 with serine.
Molecular consequence: missense variant.
Genome position (GRCh38, 1-based): chr4:125,317,739, A>G. VCF-style: chr4-125317739-A-G. GRCh37 (hg19) VCF-style: chr4-126238894-A-G.
Other names: c.1328A>G, p.Asn443Ser (NM_001291285.3, NM_024582.6); c.1328A>G (NM_024582.5); short protein forms N443S.
Identifiers: ClinVar variation 1362613 (VCV001362613.7), dbSNP rs1013842967, ClinGen allele CA104862216.

ClinVar aggregate classification (germline): Uncertain significance. Review status: criteria provided, multiple submitters, no conflicts (2 of 4 stars). 2 submissions from 2 submitters: Uncertain significance (2). Last evaluated 2024-10-25.

Conditions:
Van Maldergem syndrome 2 (VMLDS2). Identifiers: Orphanet 314679, MedGen C3809875, MONDO:0014242, OMIM 615546.
Hennekam lymphangiectasia-lymphedema syndrome 2 (HKLLS2). Identifiers: Orphanet 2136, MedGen C4014939, MONDO:0014454, OMIM 616006.

Allele frequency attached by ClinVar (database versions not stated): gnomAD exomes below 0.00001; TOPMed 0.00003.
gnomAD v4.1: 3 of 1,614,156 alleles (0.00019%); highest among the groups gnomAD compares: African/African-American, 0.004%; no homozygotes.

Submissions (2):

Labcorp Genetics (formerly Invitae), Labcorp
Classification: Uncertain significance. Last evaluated: 2024-10-25. Review status: criteria provided, single submitter. Criteria: Invitae Variant Classification Sherloc (09022015). Collection method: clinical testing. Allele origin: germline.
Comment: This sequence change replaces asparagine, which is neutral and polar, with serine, which is neutral and polar, at codon 443 of the FAT4 protein (p.Asn443Ser). This variant is not present in population databases (gnomAD no frequency). This variant has not been reported in the literature in individuals affected with FAT4-related conditions. ClinVar contains an entry for this variant (Variation ID: 1362613). Invitae Evidence Modeling of protein sequence and biophysical properties (such as structural, functional, and spatial information, amino acid conservation, physicochemical variation, residue mobility, and thermodynamic stability) indicates that this missense variant is not expected to disrupt FAT4 protein function with a negative predictive value of 80%. In summary, the available evidence is currently insufficient to determine the role of this variant in disease. Therefore, it has been classified as a Variant of Uncertain Significance.

Fulgent Genetics
Classification: Uncertain significance for Van Maldergem syndrome 2; Hennekam lymphangiectasia-lymphedema syndrome 2. Last evaluated: 2024-05-22. Review status: criteria provided, single submitter. Criteria: ACMG Guidelines, 2015. Collection method: clinical testing. Allele origin: germline.